The following is an entry in ClinVar:

ClinVar aggregate classification (germline): Pathogenic (1 of 4 stars; one submission).

Conditions:
Bardet-Biedl syndrome (BBS). Identifiers: Orphanet 110, MedGen C0752166, MONDO:0015229.

Submission:

Labcorp Genetics (formerly Invitae), Labcorp
Classification: Pathogenic for Bardet-Biedl syndrome. Last evaluated: 2023-08-30. Review status: criteria provided, single submitter. Criteria: Invitae Variant Classification Sherloc (09022015). Collection method: clinical testing. Allele origin: germline.
Comment: This variant is a gross deletion of the genomic region encompassing exon(s) 1-6 of the BBS4 gene, which includes the initiator codon. This deletion extends beyond the assayed region for this gene and therefore may encompass additional genes. It is expected to result in an absent or disrupted protein product. Loss-of-function variants in BBS4 are known to be pathogenic (PMID: 11381270, 12016587, 20177705, 27894351). This variant has not been reported in the literature in individuals affected with BBS4-related conditions. For these reasons, this variant has been classified as Pathogenic.

Literature cited by the submitters: PubMed 11381270; PubMed 12016587; PubMed 20177705; PubMed 27894351.

NC_000015.9:g.(?_72978569)_(73009211_?)del

Gene: BBS4 (Bardet-Biedl syndrome 4; plus strand). Cytogenetic location: 15q24.1.
Variant type: Deletion.
Identifiers: ClinVar variation 2427093 (VCV002427093.4).